The following is an entry in ClinVar:

NM_001457.4(FLNB):c.5147C>T (p.Pro1716Leu)

Gene: FLNB (filamin B; plus strand). Cytogenetic location: 3p14.3.
Variant type: single nucleotide variant.
Coding change: c.5147C>T on transcript NM_001457.4 (MANE Select); coding-DNA position 5147, C replaced by T.
Protein change: p.Pro1716Leu; replaces proline 1716 with leucine.
Molecular consequence: missense variant. On other transcripts: intron variant (1).
Genome position (GRCh38, 1-based): chr3:58,141,895, C>T. VCF-style: chr3-58141895-C-T. GRCh37 (hg19) VCF-style: chr3-58127622-C-T.
Other names: c.5240C>T, p.Pro1747Leu (NM_001164317.2); c.5147C>T, p.Pro1716Leu (NM_001164318.2); c.5110-755C>T (NM_001164319.2); short protein forms P1716L, P1747L.
Identifiers: ClinVar variation 811850 (VCV000811850.8), dbSNP rs201370865, ClinGen allele CA2468963.

ClinVar aggregate classification (germline): Uncertain significance (1 of 4 stars; one submission).

Allele frequency attached by ClinVar (database versions not stated): ExAC 0.00002; gnomAD exomes 0.00002; TOPMed 0.00002; gnomAD 0.00003; 1000 Genomes Project 30x 0.00016; 1000 Genomes Project 0.00020.
gnomAD v4.1: 32 of 1,614,118 alleles (0.002%); highest among the groups gnomAD compares: Middle Eastern, 0.016%; 1 homozygote.

Submission:

ARUP Laboratories, Molecular Genetics and Genomics, ARUP Laboratories
Classification: Uncertain significance. Last evaluated: 2018-12-27. Review status: criteria provided, single submitter. Criteria: ARUP Molecular Germline Variant Investigation Process. Collection method: clinical testing. Allele origin: germline.
Comment: The FLNB c.5147C>T; p.Pro1716Leu variant (rs201370865), to our knowledge, is not described in the medical literature or in gene-specific databases. It is found on only 6 alleles in the Genome Aggregation Database, indicating it is not a common polymorphism. The proline at codon 1716 is moderately conserved, and computational algorithms (PolyPhen-2, SIFT) predict that this variant is tolerated. Due to the lack of clinical and functional data regarding this variant, its clinical significance cannot be determined with certainty.